The following is an entry in ClinVar:

NM_006082.3(TUBA1B):c.1105G>C (p.Ala369Pro)

Gene: TUBA1B (tubulin alpha 1b; minus strand). Cytogenetic location: 12q13.12.
Variant type: single nucleotide variant.
Coding change: c.1105G>C on transcript NM_006082.3 (MANE Select); coding-DNA position 1105, G replaced by C.
Protein change: p.Ala369Pro; replaces alanine 369 with proline.
Molecular consequence: missense variant.
Genome position (GRCh38, 1-based): chr12:49,128,209, C>G on the plus strand (G>C on the coding strand, the complement: TUBA1B is on the minus strand). VCF-style: chr12-49128209-C-G. GRCh37 (hg19) VCF-style: chr12-49521992-C-G.
Other names: NM_006082.3:c.1105G>C; short protein forms A369P.
Identifiers: ClinVar variation 3383280 (VCV003383280.1).

ClinVar aggregate classification (germline): Uncertain significance (1 of 4 stars; one submission).

Conditions:
Neuromuscular disease. Also called: Neuromuscular disorder; Neuromyopathy. Identifiers: Orphanet 68381, MedGen C0027868, MeSH D009468, MONDO:0019056.

Submission:

Broad Center for Mendelian Genomics, Broad Institute of MIT and Harvard
Classification: Uncertain significance for Neuromuscular disease. Last evaluated: 2024-11-22. Review status: criteria provided, single submitter. Criteria: ACMG Guidelines, 2015. Collection method: curation. Allele origin: germline. Inheritance: Autosomal dominant inheritance. Study: GREGoR Consortium.
Comment: While this gene is still lacking sufficient evidence to establish a gene-disease relationship, we believe this is a possible novel gene candidate for neuromuscular disease. Given the limited information about this gene-disease relationship, the significance of the p.Ala369Pro variant is uncertain. If you have any additional information about functional evidence or other individuals with this phenotype that also have variants in TUBA1B we encourage you to reach out to us.